The following is an entry in ClinVar:

ClinVar aggregate classification (germline): Uncertain significance. Review status: criteria provided, multiple submitters, no conflicts (2 of 4 stars). 3 submissions from 3 submitters: Uncertain significance (3). Last evaluated 2024-11-24.

Conditions:
CNGB1-related disorder. Also called: CNGB1-related condition.
Inborn genetic diseases. Identifiers: MedGen C0950123, MeSH D030342.

Allele frequency attached by ClinVar (database versions not stated): gnomAD exomes below 0.00001; TOPMed 0.00002.
gnomAD v4.1: 1 of 1,570,296 alleles (0.000064%); highest among the groups gnomAD compares: Admixed American, 0.0019%; no homozygotes.

Submissions (3):

Ambry Genetics
Classification: Uncertain significance for Inborn genetic diseases. Last evaluated: 2024-11-24. Review status: criteria provided, single submitter. Criteria: Ambry Variant Classification Scheme 2023. Collection method: clinical testing. Allele origin: germline.

PreventionGenetics, part of Exact Sciences
Classification: Uncertain significance for CNGB1-related condition. Last evaluated: 2024-10-22. Review status: criteria provided, single submitter. Criteria: ACMG Guidelines, 2015. Collection method: clinical testing. Allele origin: germline.
Comment: The CNGB1 c.620T>C variant is predicted to result in the amino acid substitution p.Leu207Pro. To our knowledge, this variant has not been reported in the literature. This variant is absent in a large population database (gnomAD). At this time, the clinical significance of this variant is uncertain due to the absence of conclusive functional and genetic evidence.

Labcorp Genetics (formerly Invitae), Labcorp
Classification: Uncertain significance. Last evaluated: 2022-02-11. Review status: criteria provided, single submitter. Criteria: Invitae Variant Classification Sherloc (09022015). Collection method: clinical testing. Allele origin: germline.
Comment: In summary, the available evidence is currently insufficient to determine the role of this variant in disease. Therefore, it has been classified as a Variant of Uncertain Significance. Advanced modeling of protein sequence and biophysical properties (such as structural, functional, and spatial information, amino acid conservation, physicochemical variation, residue mobility, and thermodynamic stability) performed at Invitae indicates that this missense variant is not expected to disrupt CNGB1 protein function. This variant has not been reported in the literature in individuals affected with CNGB1-related conditions. This variant is not present in population databases (gnomAD no frequency). This sequence change replaces leucine, which is neutral and non-polar, with proline, which is neutral and non-polar, at codon 207 of the CNGB1 protein (p.Leu207Pro).

NM_001297.5(CNGB1):c.620T>C (p.Leu207Pro)

Gene: CNGB1 (cyclic nucleotide gated channel subunit beta 1; minus strand). Cytogenetic location: 16q21.
Variant type: single nucleotide variant.
Coding change: c.620T>C on transcript NM_001297.5 (MANE Select); coding-DNA position 620, T replaced by C.
Protein change: p.Leu207Pro; replaces leucine 207 with proline.
Molecular consequence: missense variant.
Genome position (GRCh38, 1-based): chr16:57,960,029, A>G on the plus strand (T>C on the coding strand, the complement: CNGB1 is on the minus strand). VCF-style: chr16-57960029-A-G. GRCh37 (hg19) VCF-style: chr16-57993933-A-G.
Other names: c.620T>C (NM_001297.4); c.620T>C, p.Leu207Pro (NM_001135639.2); c.602T>C, p.Leu201Pro (NM_001286130.2); short protein forms L207P, L201P.
Identifiers: ClinVar variation 1468217 (VCV001468217.10), dbSNP rs774807951, ClinGen allele CA8083733.